The following is an entry in ClinVar:

ClinVar aggregate classification (germline): Uncertain significance. Review status: criteria provided, multiple submitters, no conflicts (2 of 4 stars). 3 submissions from 3 submitters: Uncertain significance (3). Last evaluated 2025-09-22.

Conditions:
Inborn genetic diseases. Identifiers: MedGen C0950123, MeSH D030342.

Allele frequency attached by ClinVar (database versions not stated): gnomAD exomes 0.00001 and 0.00003; ExAC 0.00003; gnomAD 0.00007 and 0.00008; TOPMed 0.00008; ESP Exome Variant Server 0.00023; 1000 Genomes Project 30x 0.00047; 1000 Genomes Project 0.00060.
gnomAD v4.1: 21 of 1,609,962 alleles (0.0013%); highest among the groups gnomAD compares: African/African-American, 0.027%; no homozygotes.

Submissions (3):

Ambry Genetics
Classification: Uncertain significance for Inborn genetic diseases. Last evaluated: 2025-09-22. Review status: criteria provided, single submitter. Criteria: Ambry Variant Classification Scheme 2023. Collection method: clinical testing. Allele origin: germline.

GeneDx
Classification: Uncertain significance. Last evaluated: 2024-12-04. Review status: criteria provided, single submitter. Criteria: GeneDx Variant Classification Process June 2021. Collection method: clinical testing. Allele origin: germline.
Comment: In silico analysis supports that this missense variant has a deleterious effect on protein structure/function; Has not been previously published as pathogenic or benign to our knowledge

Laboratory for Molecular Medicine, Mass General Brigham Personalized Medicine
Classification: Uncertain significance. Last evaluated: 2015-11-24. Review status: criteria provided, single submitter. Criteria: LMM Criteria. Collection method: clinical testing. Allele origin: germline. Observed: 1 variant allele.
Comment: The p.Arg2269Gly variant in OTOGL has not been previously reported in individual s with hearing loss, but has been identified in 4/10336 of African chromosomes b y the Exome Aggregation Consortium (ExAC; dbSNP rs372725776). Although this variant has been seen in the general population, its frequency is not high enough to rule out a pathogenic role. Computational predi ction tools and conservation analysis do not provide strong support for or again st an impact to the protein. In summary, the clinical significance of the p.Arg2 269Gly variant is uncertain.

NM_001378609.3(OTOGL):c.6832A>G (p.Arg2278Gly)

Gene: OTOGL (otogelin like; plus strand). Cytogenetic location: 12q21.31.
Variant type: single nucleotide variant.
Coding change: c.6832A>G on transcript NM_001378609.3 (MANE Select); coding-DNA position 6832, A replaced by G.
Protein change: p.Arg2278Gly; replaces arginine 2278 with glycine.
Molecular consequence: missense variant.
Genome position (GRCh38, 1-based): chr12:80,377,173, A>G. VCF-style: chr12-80377173-A-G. GRCh37 (hg19) VCF-style: chr12-80770953-A-G.
Other names: c.6697A>G, p.Arg2233Gly (NM_001368062.3); c.6832A>G, p.Arg2278Gly (NM_001378610.3, NM_173591.7); short protein forms R2269G, R2233G, R2278G.
Identifiers: ClinVar variation 229120 (VCV000229120.8), dbSNP rs372725776, ClinGen allele CA6702171.